The following is an entry in ClinVar:

ClinVar aggregate classification (germline): Uncertain significance (1 of 4 stars; one submission).

Conditions:
Propionic acidemia (PROP). Also called: GLYCINEMIA, KETOTIC; HYPERGLYCINEMIA WITH KETOACIDOSIS AND LEUKOPENIA; KETOTIC HYPERGLYCINEMIA. Identifiers: Orphanet 35, MedGen C0268579, MONDO:0011628, OMIM 606054, HP:0003571.

Allele frequency attached by ClinVar (database versions not stated): gnomAD 0.00001; gnomAD exomes 0.00001; TOPMed 0.00001.
gnomAD v4.1: 11 of 1,528,590 alleles (0.00072%); highest among the groups gnomAD compares: Non-Finnish European, 0.00096%; no homozygotes.

Submission:

Labcorp Genetics (formerly Invitae), Labcorp
Classification: Uncertain significance for Propionic acidemia. Last evaluated: 2021-09-24. Review status: criteria provided, single submitter. Criteria: Invitae Variant Classification Sherloc (09022015). Collection method: clinical testing. Allele origin: germline.
Comment: This sequence change replaces proline with leucine at codon 21 of the PCCA protein (p.Pro21Leu). The proline residue is weakly conserved and there is a moderate physicochemical difference between proline and leucine. The frequency data for this variant in the population databases is considered unreliable, as metrics indicate insufficient coverage at this position in the ExAC database. This variant has not been reported in the literature in individuals with PCCA-related conditions. Advanced modeling of protein sequence and biophysical properties (such as structural, functional, and spatial information, amino acid conservation, physicochemical variation, residue mobility, and thermodynamic stability) performed at Invitae indicates that this missense variant is not expected to disrupt PCCA protein function. In summary, the available evidence is currently insufficient to determine the role of this variant in disease. Therefore, it has been classified as a Variant of Uncertain Significance.

NM_000282.4(PCCA):c.62C>T (p.Pro21Leu)

Gene: PCCA (propionyl-CoA carboxylase subunit alpha; plus strand). Cytogenetic location: 13q32.3.
Variant type: single nucleotide variant.
Coding change: c.62C>T on transcript NM_000282.4 (MANE Select); coding-DNA position 62, C replaced by T.
Protein change: p.Pro21Leu; replaces proline 21 with leucine.
Molecular consequence: missense variant. On other transcripts: 5 prime UTR variant (3), non-coding transcript variant (5).
Genome position (GRCh38, 1-based): chr13:100,089,182, C>T. VCF-style: chr13-100089182-C-T. GRCh37 (hg19) VCF-style: chr13-100741436-C-T.
Other names: c.62C>T, p.Pro21Leu (NM_001127692.3, NM_001178004.2, NM_001352605.2 and 4 more transcripts); c.-805C>T (NM_001352610.2, NM_001352611.2, NM_001352612.2); short protein forms P21L.
Identifiers: ClinVar variation 1409003 (VCV001409003.5), dbSNP rs1367928921, ClinGen allele CA388692694.